The following is an entry in ClinVar:

ClinVar aggregate classification (germline): Uncertain significance (1 of 4 stars; one submission).

Conditions:
Immunodeficiency. Identifiers: MedGen C0021051, MONDO:0021094, HP:0002721.

Allele frequency attached by ClinVar (database versions not stated): gnomAD exomes 0.00001.

Submission:

Labcorp Genetics (formerly Invitae), Labcorp
Classification: Uncertain significance for Immunodeficiency. Last evaluated: 2020-02-03. Review status: criteria provided, single submitter. Criteria: Invitae Variant Classification Sherloc (09022015). Collection method: clinical testing. Allele origin: germline.
Comment: In summary, the available evidence is currently insufficient to determine the role of this variant in disease. Therefore, it has been classified as a Variant of Uncertain Significance. Algorithms developed to predict the effect of sequence changes on RNA splicing suggest that this variant may create or strengthen a splice site, but this prediction has not been confirmed by published transcriptional studies. Algorithms developed to predict the effect of missense changes on protein structure and function (SIFT, PolyPhen-2, Align-GVGD) all suggest that this variant is likely to be tolerated, but these predictions have not been confirmed by published functional studies and their clinical significance is uncertain. This variant has not been reported in the literature in individuals with NFAT5-related conditions. This variant is not present in population databases (ExAC no frequency). This sequence change replaces asparagine with serine at codon 176 of the NFAT5 protein (p.Asn176Ser). The asparagine residue is moderately conserved and there is a small physicochemical difference between asparagine and serine.

NM_138713.4(NFAT5):c.809A>G (p.Asn270Ser)

Gene: NFAT5 (nuclear factor of activated T cells 5; plus strand). Cytogenetic location: 16q22.1.
Variant type: single nucleotide variant.
Coding change: c.809A>G on transcript NM_138713.4 (MANE Select); coding-DNA position 809, A replaced by G.
Protein change: p.Asn270Ser; replaces asparagine 270 with serine.
Molecular consequence: missense variant. On other transcripts: intron variant (1).
Genome position (GRCh38, 1-based): chr16:69,647,583, A>G. VCF-style: chr16-69647583-A-G. GRCh37 (hg19) VCF-style: chr16-69681486-A-G.
Other names: c.809A>G, p.Asn270Ser (NM_001113178.3); c.755A>G, p.Asn252Ser (NM_006599.4); c.527A>G, p.Asn176Ser (NM_138714.4, NM_173214.3, NM_173215.3); c.140+416A>G (NM_001367709.1); short protein forms N252S, N176S, N270S.
Identifiers: ClinVar variation 1043389 (VCV001043389.9), dbSNP rs1391597908, ClinGen allele CA396487088.